The following is an entry in ClinVar:

NM_001184.4(ATR):c.4623T>A (p.Asn1541Lys)

Gene: ATR (ATR checkpoint kinase; minus strand). Cytogenetic location: 3q23.
Variant type: single nucleotide variant.
Coding change: c.4623T>A on transcript NM_001184.4 (MANE Select); coding-DNA position 4623, T replaced by A.
Protein change: p.Asn1541Lys; replaces asparagine 1541 with lysine.
Molecular consequence: missense variant.
Genome position (GRCh38, 1-based): chr3:142,513,519, A>T on the plus strand (T>A on the coding strand, the complement: ATR is on the minus strand). VCF-style: chr3-142513519-A-T. GRCh37 (hg19) VCF-style: chr3-142232361-A-T.
Other names: c.4431T>A, p.Asn1477Lys (NM_001354579.2); short protein forms N1477K, N1541K.
Identifiers: ClinVar variation 2085875 (VCV002085875.4), dbSNP rs2473223355, ClinGen allele CA354796746.
Genomic context (GRCh38, chr3:142,513,519, plus strand): 5'-AGTTTCACATGTTCAAAAACCAAGTAAGATGATTTATCTCACCTCCTGCTGATCTTCTTG[A>T]TTACAACCCAGTAAGACATACACCAGAATATGTGGAAGAAGATAGATGGTCACTTTGAAA-3'
Protein context (NP_001175.2, residues 1531-1551): HILVYVLLGC[Asn1541Lys]QEDQQEVYAE

ClinVar aggregate classification (germline): Uncertain significance (1 of 4 stars; one submission).

gnomAD v4.1: 1 of 1,613,614 alleles (0.000062%); no homozygotes.

Submission:

Labcorp Genetics (formerly Invitae), Labcorp
Classification: Uncertain significance. Last evaluated: 2022-10-07. Review status: criteria provided, single submitter. Criteria: Invitae Variant Classification Sherloc (09022015). Collection method: clinical testing. Allele origin: germline.
Comment: This variant is not present in population databases (gnomAD no frequency). This sequence change replaces asparagine, which is neutral and polar, with lysine, which is basic and polar, at codon 1541 of the ATR protein (p.Asn1541Lys). This variant has not been reported in the literature in individuals affected with ATR-related conditions. Algorithms developed to predict the effect of missense changes on protein structure and function (SIFT, PolyPhen-2, Align-GVGD) all suggest that this variant is likely to be tolerated. In summary, the available evidence is currently insufficient to determine the role of this variant in disease. Therefore, it has been classified as a Variant of Uncertain Significance.